The following is an entry in ClinVar:

ClinVar aggregate classification (germline): Uncertain significance (0 of 4 stars; one submission).

Conditions:
von Willebrand disease type 3 (VWD3). Also called: Type 3 Von Willebrand's disease; Type 3 VWD; Von Willebrand disease, severe form; V WD3; VON WILLEBRAND DISEASE, TYPE III. Identifiers: Orphanet 166096, MedGen C1264041, MONDO:0010191, OMIM 277480.

Submission:

Angelo Bianchi Bonomi Hemophilia and Thrombosis Center, Fondazione IRCCS Ca Granda Ospedale Maggiore Policlinico
Classification: Uncertain significance for von Willebrand disease type 3. Last evaluated: 2020-11-01. Review status: no assertion criteria provided. Collection method: clinical testing. Allele origin: germline. Affected: yes. Study: Type 3 Von Willebrand International Registries Inhibitor Prospective Study (3WINTERS-IPS).
Comment: ClinGen Pathogenicity Calculator

NM_000552.5(VWF):c.7619T>A (p.Val2540Asp)

Gene: VWF (von Willebrand factor; minus strand). Cytogenetic location: 12p13.31.
Variant type: single nucleotide variant.
Coding change: c.7619T>A on transcript NM_000552.5 (MANE Select); coding-DNA position 7619, T replaced by A.
Protein change: p.Val2540Asp; replaces valine 2540 with aspartic acid.
Molecular consequence: missense variant.
Genome position (GRCh38, 1-based): chr12:5,969,321, A>T on the plus strand (T>A on the coding strand, the complement: VWF is on the minus strand). VCF-style: chr12-5969321-A-T. GRCh37 (hg19) VCF-style: chr12-6078487-A-T.
Other names: short protein forms V2540D.
Identifiers: ClinVar variation 1065308 (VCV001065308.3), dbSNP rs150778949, ClinGen allele CA383489432.
Genomic context (GRCh38, chr12:5,969,321, plus strand): 5'-CCCGAGGGGCAGACAGGGACCTCCAGCTGGGGGCAGGAGACGTTCCTTTGTTGTATAAAG[A>T]CCTCCTCCTTCACTCGGACACACTCATTGATGAGGCAGGGGTTCTCCGGGGAGGCCCACT-3'
Protein context (NP_000543.3, residues 2530-2550): INECVRVKEE[Val2540Asp]FIQQRNVSCP